The following is an entry in ClinVar:

NM_000329.3(RPE65):c.83C>A (p.Ala28Asp)

Gene: RPE65 (retinoid isomerohydrolase RPE65; minus strand). Cytogenetic location: 1p31.3.
Variant type: single nucleotide variant.
Coding change: c.83C>A on transcript NM_000329.3 (MANE Select); coding-DNA position 83, C replaced by A.
Protein change: p.Ala28Asp; replaces alanine 28 with aspartic acid.
Molecular consequence: missense variant. On other transcripts: 5 prime UTR variant (1), intron variant (1).
Genome position (GRCh38, 1-based): chr1:68,448,635, G>T on the plus strand (C>A on the coding strand, the complement: RPE65 is on the minus strand). VCF-style: chr1-68448635-G-T. GRCh37 (hg19) VCF-style: chr1-68914318-G-T.
Other names: c.83C>A, p.Ala28Asp (NM_001406853.1, NM_001406859.1, NM_001406860.1); c.-43C>A (NM_001406856.1); c.-183+1260C>A (NM_001406857.1); short protein forms A28D.
Identifiers: ClinVar variation 2939563 (VCV002939563.3), dbSNP rs2523458181, ClinGen allele CA340750093.

ClinVar aggregate classification (germline): Uncertain significance (1 of 4 stars; one submission).

Conditions:
Leber congenital amaurosis 2 (LCA2). Also called: AMAUROSIS CONGENITA OF LEBER II; Autosomal Recessive RPE65-Related Retinal Degeneration. Identifiers: Orphanet 65, MedGen C1859844, MONDO:0008765, OMIM 204100. Disease mechanism: loss of function.
Retinitis pigmentosa 20 (RP20). Identifiers: Orphanet 791, MedGen C3151086, MONDO:0013425, OMIM 613794.

Submission:

Labcorp Genetics (formerly Invitae), Labcorp
Classification: Uncertain significance for Leber congenital amaurosis 2; Retinitis pigmentosa 20. Last evaluated: 2023-01-18. Review status: criteria provided, single submitter. Criteria: Invitae Variant Classification Sherloc (09022015). Collection method: clinical testing. Allele origin: germline.
Comment: In summary, the available evidence is currently insufficient to determine the role of this variant in disease. Therefore, it has been classified as a Variant of Uncertain Significance. Advanced modeling of protein sequence and biophysical properties (such as structural, functional, and spatial information, amino acid conservation, physicochemical variation, residue mobility, and thermodynamic stability) performed at Invitae indicates that this missense variant is not expected to disrupt RPE65 protein function. This variant has not been reported in the literature in individuals affected with RPE65-related conditions. This variant is not present in population databases (gnomAD no frequency). This sequence change replaces alanine, which is neutral and non-polar, with aspartic acid, which is acidic and polar, at codon 28 of the RPE65 protein (p.Ala28Asp).